The following is an entry in ClinVar:

NM_000179.3(MSH6):c.2277A>G (p.Leu759=)

Gene: MSH6 (mutS homolog 6; plus strand). Cytogenetic location: 2p16.3.
Variant type: single nucleotide variant.
Coding change: c.2277A>G on transcript NM_000179.3 (MANE Select); coding-DNA position 2277, A replaced by G.
Protein change: p.Leu759=; no amino-acid change (leucine 759 retained).
Molecular consequence: synonymous variant. On other transcripts: non-coding transcript variant (5), intron variant (2).
Genome position (GRCh38, 1-based): chr2:47,800,260, A>G. VCF-style: chr2-47800260-A-G. GRCh37 (hg19) VCF-style: chr2-48027399-A-G.
Other names: c.1887A>G, p.Leu629= (NM_001281492.2); c.1371A>G, p.Leu457= (NM_001281493.2, NM_001281494.2, NM_001406811.1 and 6 more transcripts); c.2373A>G, p.Leu791= (NM_001406795.1, NM_001406802.1); c.2277A>G, p.Leu759= (NM_001406796.1, NM_001406798.1, NM_001406800.1 and 3 more transcripts); c.1980A>G, p.Leu660= (NM_001406797.1, NM_001406801.1, NM_001406805.1 and 10 more transcripts); c.1752A>G, p.Leu584= (NM_001406799.1, NM_001406806.1, NM_001406807.1); c.2199A>G, p.Leu733= (NM_001406804.1); c.2283A>G, p.Leu761= (NM_001406813.1); and 3 more.
Identifiers: ClinVar variation 3903735 (VCV003903735.1).

ClinVar aggregate classification (germline): Benign (1 of 4 stars; one submission).

Conditions:
Lynch syndrome 5 (LYNCH5). Also called: Colorectal cancer, hereditary nonpolyposis, type 5; Hereditary non-polyposis colorectal cancer, type 5. Identifiers: Orphanet 144, MedGen C1833477, MONDO:0013710, OMIM 614350. Disease mechanism: loss of function.

gnomAD v4.1: 1 of 1,614,068 alleles (0.000062%); highest among the groups gnomAD compares: Non-Finnish European, 0.000085%; no homozygotes.

Submission:

Myriad Genetics, Inc.
Classification: Benign for Lynch syndrome 5. Last evaluated: 2024-12-30. Review status: criteria provided, single submitter. Criteria: Myriad Autosomal Dominant, Autosomal Recessive and X-Linked Classification Criteria (2023). Collection method: clinical testing. Allele origin: unknown.
Comment: This variant is considered benign. This variant is a silent/synonymous amino acid change and it is not expected to impact splicing.